The following is an entry in ClinVar:

ClinVar aggregate classification (germline): Benign/Likely benign. Review status: criteria provided, multiple submitters, no conflicts (2 of 4 stars). 2 submissions from 2 submitters: Benign (1); Likely benign (1). Last evaluated 2026-07-01.

Submissions (2):

CeGaT Center for Human Genetics Tuebingen
Classification: Likely benign. Last evaluated: 2026-07-01. Review status: criteria provided, single submitter. Criteria: CeGaT Center For Human Genetics Tuebingen Variant Classification Criteria Version 2. Collection method: clinical testing. Allele origin: germline. Affected: yes. Observed: 2 variant alleles.
Comment: MACF1: PM4, BS2

Labcorp Genetics (formerly Invitae), Labcorp
Classification: Benign. Last evaluated: 2025-12-18. Review status: criteria provided, single submitter. Criteria: Invitae Variant Classification Sherloc (09022015). Collection method: clinical testing. Allele origin: germline.

NM_012090.5(MACF1):c.39ATGTCGGAGTGAGCGGTC[3] (p.Ser25_Tyr26insCysArgSerGluArgSerCysArgSerGluArgSer)

Gene: MACF1 (microtubule actin crosslinking factor 1; plus strand). Cytogenetic location: 1p34.3.
Variant type: Microsatellite.
Coding change: c.39ATGTCGGAGTGAGCGGTC[3] on transcript NM_012090.5; three copies in a row of the 18-base unit ATGTCGGAGTGAGCGGTC starting at c.39.
Protein change: p.Ser25_Tyr26insCysArgSerGluArgSerCysArgSerGluArgSer.
Molecular consequence: inframe insertion.
Genome position: GRCh38, VCF-style position (the base before the change): chr1:39,084,245. GRCh37 (hg19), VCF-style position (the base before the change): chr1:39,549,917.
Identifiers: ClinVar variation 2053003 (VCV002053003.5), dbSNP rs545520541, ClinGen allele CA778986.